The following is an entry in ClinVar:

NM_139057.4(ADAMTS17):c.2249AGA[1] (p.Lys751del)

Gene: ADAMTS17 (ADAM metallopeptidase with thrombospondin type 1 motif 17; minus strand). Cytogenetic location: 15q26.3.
Variant type: Microsatellite.
Coding change: c.2249AGA[1] on transcript NM_139057.4 (MANE Select); one copy of the 3-base unit AGA starting at c.2249; the reference has two copies in a row; one copy, 3 bases deleted.
Protein change: p.Lys751del; deletes lysine 751.
Molecular consequence: inframe deletion.
Genome position (GRCh38, 1-based): chr15:100,053,938-100,053,940, TCT deleted on the plus strand (AGA on the coding strand, the reverse complement: ADAMTS17 is on the minus strand); deleting any 3 consecutive bases within chr15:100,053,938-100,053,943 gives the same sequence; the position shown is the placement nearest the transcript's 3' end. VCF-style (leftmost placement, unchanged base first): chr15-100053937-ATCT-A. GRCh37 (hg19) VCF-style: chr15-100594142-ATCT-A.
Other names: short protein forms K751del.
Identifiers: ClinVar variation 1205930 (VCV001205930.10), dbSNP rs1360677815, ClinGen allele CA620300998.

ClinVar aggregate classification (germline): Uncertain significance. Review status: criteria provided, single submitter (1 of 4 stars). 3 submissions from 3 submitters: Uncertain significance (1). 2 of the submissions do not count toward it. Last evaluated 2025-03-17.

Submissions (3):

Labcorp Genetics (formerly Invitae), Labcorp
Classification: Uncertain significance. Last evaluated: 2025-03-17. Review status: criteria provided, single submitter. Criteria: Invitae Variant Classification Sherloc (09022015). Collection method: clinical testing. Allele origin: germline.
Comment: This variant, c.2252_2254del, results in the deletion of 1 amino acid(s) of the ADAMTS17 protein (p.Lys751del), but otherwise preserves the integrity of the reading frame. This variant is present in population databases (no rsID available, gnomAD 0.0009%). This variant has not been reported in the literature in individuals affected with ADAMTS17-related conditions. Experimental studies and prediction algorithms are not available or were not evaluated, and the functional significance of this variant is currently unknown. Algorithms developed to predict the effect of sequence changes on RNA splicing suggest that this variant may disrupt the consensus splice site. In summary, the available evidence is currently insufficient to determine the role of this variant in disease. Therefore, it has been classified as a Variant of Uncertain Significance.

Clinical Genetics DNA and cytogenetics Diagnostics Lab, Erasmus MC, Erasmus Medical Center
Classification: Uncertain significance. Review status: no assertion criteria provided. Collection method: clinical testing. Allele origin: germline. Affected: yes. Study: VKGL Data-share Consensus. Not counted in ClinVar's aggregate classification.

Laboratory of Diagnostic Genome Analysis, Leiden University Medical Center (LUMC)
Classification: Uncertain significance. Review status: no assertion criteria provided. Collection method: clinical testing. Allele origin: germline. Affected: yes. Study: VKGL Data-share Consensus. Not counted in ClinVar's aggregate classification.